The following is an entry in ClinVar:

ClinVar aggregate classification (germline): Uncertain significance (1 of 4 stars; one submission).

Submission:

Labcorp Genetics (formerly Invitae), Labcorp
Classification: Uncertain significance. Last evaluated: 2024-03-12. Review status: criteria provided, single submitter. Criteria: Invitae Variant Classification Sherloc (09022015). Collection method: clinical testing. Allele origin: germline.
Comment: This sequence change replaces threonine, which is neutral and polar, with isoleucine, which is neutral and non-polar, at codon 437 of the ARCN1 protein (p.Thr437Ile). This variant is not present in population databases (gnomAD no frequency). This variant has not been reported in the literature in individuals affected with ARCN1-related conditions. An algorithm developed to predict the effect of missense changes on protein structure and function (PolyPhen-2) suggests that this variant is likely to be tolerated. In summary, the available evidence is currently insufficient to determine the role of this variant in disease. Therefore, it has been classified as a Variant of Uncertain Significance.

NM_001655.5(ARCN1):c.1310C>T (p.Thr437Ile)

Gene: ARCN1 (archain 1 coat protein complex I subunit delta; plus strand). Cytogenetic location: 11q23.3.
Variant type: single nucleotide variant.
Coding change: c.1310C>T on transcript NM_001655.5 (MANE Select); coding-DNA position 1310, C replaced by T.
Protein change: p.Thr437Ile; replaces threonine 437 with isoleucine.
Molecular consequence: missense variant. On other transcripts: non-coding transcript variant (2), intron variant (3).
Genome position (GRCh38, 1-based): chr11:118,597,775, C>T. VCF-style: chr11-118597775-C-T. GRCh37 (hg19) VCF-style: chr11-118468490-C-T.
Other names: c.1046C>T, p.Thr349Ile (NM_001142281.2); c.1373C>T, p.Thr458Ile (NM_001425073.1); c.1307C>T, p.Thr436Ile (NM_001425074.1); c.1253C>T, p.Thr418Ile (NM_001425075.1); c.1241C>T, p.Thr414Ile (NM_001425076.1); c.1145C>T, p.Thr382Ile (NM_001425077.1); c.866C>T, p.Thr289Ile (NM_001425080.1); c.1242-2850C>T (NM_001425078.1); and 2 more; short protein forms T382I, T349I, T437I, T458I, T289I, T414I, T418I, T436I.
Identifiers: ClinVar variation 3690368 (VCV003690368.2).
Genomic context (GRCh38, chr11:118,597,775, plus strand): 5'-TCGGCGCGCCTGTTATCGGTGAGATCGATGGGGAGTATCGACATGACAGTCGACGAAATA[C>T]CCTGGAGTGGTGCCTGCCTGTGATTGATGCCAAAAATAAGAGTGGCAGCCTGGAGTTTAG-3'
Protein context (NP_001646.2, residues 427-447): GEYRHDSRRN[Thr437Ile]LEWCLPVIDA